The following is an entry in ClinVar:

NM_007294.4(BRCA1):c.745dup (p.Thr249fs)

Gene: BRCA1 (BRCA1 DNA repair associated; minus strand). Cytogenetic location: 17q21.31.
Variant type: Duplication.
Coding change: c.745dup on transcript NM_007294.4 (MANE Select); coding-DNA position 745, one base duplicated (A; older notation c.745dupA).
Protein change: p.Thr249fs; shifts the reading frame from threonine 249.
Molecular consequence: frameshift variant. On other transcripts: non-coding transcript variant (1).
Genome position (GRCh38, 1-based): chr17:43,094,786, T duplicated on the plus strand (A on the coding strand, the reverse complement: BRCA1 is on the minus strand). VCF-style (leftmost placement, unchanged base first): chr17-43094785-G-GT. GRCh37 (hg19) VCF-style: chr17-41246802-G-GT.
Other names: c.745dupA (NM_007294.3); c.622dup, p.Thr208Asnfs (NM_001408428.1, NM_001408429.1, NM_001408430.1 and 34 more transcripts); c.619dup, p.Thr207Asnfs (NM_001408432.1, NM_001408433.1, NM_001408434.1 and 20 more transcripts); c.610dup, p.Thr204Asnfs (NM_001408451.1); c.604dup, p.Thr202Asnfs (NM_001408452.1, NM_001408453.1, NM_001408454.1 and 42 more transcripts); c.601dup, p.Thr201Asnfs (NM_001408462.1, NM_001408463.1, NM_001408464.1 and 26 more transcripts); c.745dup, p.Thr249Asnfs (NM_001408472.1, NM_007298.4, NM_007304.2 and 52 more transcripts); c.742dup, p.Thr248Asnfs (NM_001408473.1, NM_001407587.1, NM_001407590.1 and 38 more transcripts); and 17 more; short protein forms T249fs, T202fs.
Identifiers: ClinVar variation 548219 (VCV000548219.2), dbSNP rs1555593207, ClinGen allele CA658824557.
Genomic context (GRCh38, chr17:43,094,785, plus strand): 5'-AAGTTTGAAACAGAACTACCCTGATACTTTTCTGGATGCCTCTCAGCTGCACGCTTCTCA[G>GT]TGGTGTTCAAATCATTATTACTGGGTTGATGATGTTCAGTATTTGTTACATCCGTCTCAG-3'

ClinVar aggregate classification (germline): Pathogenic (3 of 4 stars; one submission).

Conditions:
Breast-ovarian cancer, familial, susceptibility to, 1 (BROVCA1). Also called: BRCA1 Hereditary Breast and Ovarian Cancer; OVARIAN CANCER, SUSCEPTIBILITY TO. Identifiers: Orphanet 145, MedGen C2676676, MONDO:0011450, OMIM 604370. Disease mechanism: loss of function.

Submission:

Evidence-based Network for the Interpretation of Germline Mutant Alleles (ENIGMA)
Classification: Pathogenic for Breast-ovarian cancer, familial, susceptibility to, 1. Last evaluated: 2017-12-15. Review status: reviewed by expert panel. Criteria: ENIGMA BRCA1/2 Classification Criteria (2017-06-29). Collection method: curation. Allele origin: germline. Study: ENIGMA.
Comment: Variant allele predicted to encode a truncated non-functional protein.